The following is an entry in ClinVar:

ClinVar aggregate classification (germline): Uncertain significance. Review status: criteria provided, multiple submitters, no conflicts (2 of 4 stars). 2 submissions from 2 submitters: Uncertain significance (2). Last evaluated 2025-03-09.

Conditions:
Inborn genetic diseases. Identifiers: MedGen C0950123, MeSH D030342.

Allele frequency attached by ClinVar (database versions not stated): gnomAD exomes below 0.00001.
gnomAD v4.1: 3 of 1,614,134 alleles (0.00019%); highest among the groups gnomAD compares: Middle Eastern, 0.033%; no homozygotes.

Submissions (2):

Ambry Genetics
Classification: Uncertain significance for Inborn genetic diseases. Last evaluated: 2025-03-09. Review status: criteria provided, single submitter. Criteria: Ambry Variant Classification Scheme 2023. Collection method: clinical testing. Allele origin: germline.

Labcorp Genetics (formerly Invitae), Labcorp
Classification: Uncertain significance. Last evaluated: 2022-03-26. Review status: criteria provided, single submitter. Criteria: Invitae Variant Classification Sherloc (09022015). Collection method: clinical testing. Allele origin: germline.
Comment: This variant is not present in population databases (gnomAD no frequency). This sequence change replaces alanine, which is neutral and non-polar, with proline, which is neutral and non-polar, at codon 180 of the TREM2 protein (p.Ala180Pro). This variant has not been reported in the literature in individuals affected with TREM2-related conditions. Algorithms developed to predict the effect of missense changes on protein structure and function are either unavailable or do not agree on the potential impact of this missense change (SIFT: "Tolerated"; PolyPhen-2: "Probably Damaging"; Align-GVGD: "Class C0"). In summary, the available evidence is currently insufficient to determine the role of this variant in disease. Therefore, it has been classified as a Variant of Uncertain Significance.

NM_018965.4(TREM2):c.538G>C (p.Ala180Pro)

Gene: TREM2 (triggering receptor expressed on myeloid cells 2; minus strand). Cytogenetic location: 6p21.1.
Variant type: single nucleotide variant.
Coding change: c.538G>C on transcript NM_018965.4 (MANE Select); coding-DNA position 538, G replaced by C.
Protein change: p.Ala180Pro; replaces alanine 180 with proline.
Molecular consequence: missense variant. On other transcripts: intron variant (1).
Genome position (GRCh38, 1-based): chr6:41,159,011, C>G on the plus strand (G>C on the coding strand, the complement: TREM2 is on the minus strand). VCF-style: chr6-41159011-C-G. GRCh37 (hg19) VCF-style: chr6-41126749-C-G.
Other names: c.483-231G>C (NM_001271821.2); c.538G>C (NM_018965.2); short protein forms A180P.
Identifiers: ClinVar variation 1982815 (VCV001982815.5), dbSNP rs2532383653, ClinGen allele CA364057667.